The following is an entry in ClinVar:

NM_005816.5(CD96):c.856A>G (p.Thr286Ala)

Gene: CD96 (CD96 molecule; plus strand). Cytogenetic location: 3q13.13.
Variant type: single nucleotide variant.
Coding change: c.856A>G on transcript NM_005816.5 (MANE Select); coding-DNA position 856, A replaced by G.
Protein change: p.Thr286Ala; replaces threonine 286 with alanine.
Molecular consequence: missense variant. On other transcripts: non-coding transcript variant (1).
Genome position (GRCh38, 1-based): chr3:111,598,168, A>G. VCF-style: chr3-111598168-A-G. GRCh37 (hg19) VCF-style: chr3-111317015-A-G.
Other names: c.856A>G, p.Thr286Ala (NM_001318889.2, NM_001410800.1); c.904A>G, p.Thr302Ala (NM_198196.3); short protein forms T286A, T302A.
Identifiers: ClinVar variation 3613152 (VCV003613152.2).

ClinVar aggregate classification (germline): Uncertain significance (1 of 4 stars; one submission).

gnomAD v4.1: 46 of 1,498,544 alleles (0.0031%); highest among the groups gnomAD compares: South Asian, 0.05%; no homozygotes.

Submission:

Labcorp Genetics (formerly Invitae), Labcorp
Classification: Uncertain significance. Last evaluated: 2024-08-06. Review status: criteria provided, single submitter. Criteria: Invitae Variant Classification Sherloc (09022015). Collection method: clinical testing. Allele origin: germline.
Comment: This sequence change replaces threonine, which is neutral and polar, with alanine, which is neutral and non-polar, at codon 302 of the CD96 protein (p.Thr302Ala). This variant is present in population databases (rs749351660, gnomAD 0.04%). This variant has not been reported in the literature in individuals affected with CD96-related conditions. Advanced modeling of protein sequence and biophysical properties (such as structural, functional, and spatial information, amino acid conservation, physicochemical variation, residue mobility, and thermodynamic stability) performed at Invitae indicates that this missense variant is expected to disrupt CD96 protein function with a positive predictive value of 80%. In summary, the available evidence is currently insufficient to determine the role of this variant in disease. Therefore, it has been classified as a Variant of Uncertain Significance.